The following is an entry in ClinVar:

ClinVar aggregate classification (germline): Uncertain significance (1 of 4 stars; one submission).

Allele frequency attached by ClinVar (database versions not stated): gnomAD exomes below 0.00001.
gnomAD v4.1: 2 of 1,613,878 alleles (0.00012%); highest among the groups gnomAD compares: Non-Finnish European, 0.00017%; no homozygotes.

Submission:

Labcorp Genetics (formerly Invitae), Labcorp
Classification: Uncertain significance. Last evaluated: 2023-07-13. Review status: criteria provided, single submitter. Criteria: Invitae Variant Classification Sherloc (09022015). Collection method: clinical testing. Allele origin: germline.
Comment: This variant is not present in population databases (gnomAD no frequency). This variant has not been reported in the literature in individuals affected with EMC1-related conditions. ClinVar contains an entry for this variant (Variation ID: 841808). Advanced modeling of protein sequence and biophysical properties (such as structural, functional, and spatial information, amino acid conservation, physicochemical variation, residue mobility, and thermodynamic stability) performed at Invitae indicates that this missense variant is not expected to disrupt EMC1 protein function. Algorithms developed to predict the effect of sequence changes on RNA splicing suggest that this variant may disrupt the consensus splice site. In summary, the available evidence is currently insufficient to determine the role of this variant in disease. Therefore, it has been classified as a Variant of Uncertain Significance. This sequence change replaces proline, which is neutral and non-polar, with threonine, which is neutral and polar, at codon 874 of the EMC1 protein (p.Pro874Thr).

NM_015047.3(EMC1):c.2620C>A (p.Pro874Thr)

Genes: EMC1-AS1 (EMC1 antisense RNA 1; plus strand), EMC1 (ER membrane protein complex subunit 1; minus strand). Cytogenetic location: 1p36.13.
Variant type: single nucleotide variant.
Coding change: c.2620C>A on transcript NM_015047.3 (MANE Select); coding-DNA position 2620, C replaced by A.
Protein change: p.Pro874Thr; replaces proline 874 with threonine.
Molecular consequence: missense variant.
Genome position (GRCh38, 1-based): chr1:19,220,816, G>T on the plus strand (C>A on the coding strand, the complement: EMC1 is on the minus strand). VCF-style: chr1-19220816-G-T. GRCh37 (hg19) VCF-style: chr1-19547310-G-T.
Other names: c.2617C>A, p.Pro873Thr (NM_001271427.2, NM_001271428.2); c.2554C>A, p.Pro852Thr (NM_001271429.2); c.2629C>A, p.Pro877Thr (NM_001375820.1); c.2626C>A, p.Pro876Thr (NM_001375821.1); short protein forms P876T, P877T, P852T, P873T, P874T.
Identifiers: ClinVar variation 841808 (VCV000841808.10), dbSNP rs1209835718, ClinGen allele CA338752327.